The following is an entry in ClinVar:

NM_004525.3(LRP2):c.688C>G (p.Pro230Ala)

Gene: LRP2 (LDL receptor related protein 2; minus strand). Cytogenetic location: 2q31.1.
Variant type: single nucleotide variant.
Coding change: c.688C>G on transcript NM_004525.3 (MANE Select); coding-DNA position 688, C replaced by G.
Protein change: p.Pro230Ala; replaces proline 230 with alanine.
Molecular consequence: missense variant.
Genome position (GRCh38, 1-based): chr2:169,292,334, G>C on the plus strand (C>G on the coding strand, the complement: LRP2 is on the minus strand). VCF-style: chr2-169292334-G-C. GRCh37 (hg19) VCF-style: chr2-170148844-G-C.
Other names: short protein forms P230A.
Identifiers: ClinVar variation 893962 (VCV000893962.13), dbSNP rs200916432, ClinGen allele CA1955781.

ClinVar aggregate classification (germline): Conflicting classifications of pathogenicity. Review status: criteria provided, conflicting classifications (1 of 4 stars). 4 submissions from 4 submitters: Uncertain significance (3); Benign (1). Last evaluated 2026-01-17.

Conditions:
LRP2-related disorder. Also called: LRP2-related condition.
Donnai-Barrow syndrome. Also called: DBS/FOAR SYNDROME; FACIOOCULOACOUSTICORENAL SYNDROME. Identifiers: Orphanet 2143, MedGen C1857277, MONDO:0009104, OMIM 222448.

Allele frequency attached by ClinVar (database versions not stated): ExAC 0.00014; 1000 Genomes Project 30x 0.00016; 1000 Genomes Project 0.00020; TOPMed 0.00022.
gnomAD v4.1: 91 of 1,613,954 alleles (0.0056%); highest among the groups gnomAD compares: East Asian, 0.19%; no homozygotes.

Submissions (4):

Labcorp Genetics (formerly Invitae), Labcorp
Classification: Benign. Last evaluated: 2026-01-17. Review status: criteria provided, single submitter. Criteria: Invitae Variant Classification Sherloc (09022015). Collection method: clinical testing. Allele origin: germline.

PreventionGenetics, part of Exact Sciences
Classification: Uncertain significance for LRP2-related condition. Last evaluated: 2026-01-06. Review status: criteria provided, single submitter. Criteria: ACMG Guidelines, 2015. Collection method: clinical testing. Allele origin: germline.
Comment: The LRP2 c.688C>G variant is predicted to result in the amino acid substitution p.Pro230Ala. This variant was reported in compound heterozygous state with second variant in an individual with brain arteriovenous malformation (Table 2, Zhang et al. 2021. PubMed ID: 32848021). This variant is reported in 0.19% of alleles in individuals of East Asian descent in gnomAD, which may be high for causative variant. Although we suspect that this variant may be benign, at this time, the clinical significance of this variant is uncertain due to the absence of conclusive functional and genetic evidence.

Fulgent Genetics
Classification: Uncertain significance for Donnai-Barrow syndrome. Last evaluated: 2024-04-08. Review status: criteria provided, single submitter. Criteria: ACMG Guidelines, 2015. Collection method: clinical testing. Allele origin: germline.

Illumina Laboratory Services, Illumina
Classification: Uncertain significance for Donnai-Barrow syndrome. Last evaluated: 2018-01-12. Review status: criteria provided, single submitter. Criteria: ICSL Variant Classification Criteria 13 December 2019. Collection method: clinical testing. Allele origin: germline.